The following is an entry in ClinVar:

NM_018076.5(ODAD2):c.995A>G (p.Lys332Arg)

Gene: ODAD2 (outer dynein arm docking complex subunit 2; minus strand). Cytogenetic location: 10p12.1.
Variant type: single nucleotide variant.
Coding change: c.995A>G on transcript NM_018076.5 (MANE Select); coding-DNA position 995, A replaced by G.
Protein change: p.Lys332Arg; replaces lysine 332 with arginine.
Molecular consequence: missense variant. On other transcripts: intron variant (1).
Genome position (GRCh38, 1-based): chr10:27,971,255, T>C on the plus strand (A>G on the coding strand, the complement: ODAD2 is on the minus strand). VCF-style: chr10-27971255-T-C. GRCh37 (hg19) VCF-style: chr10-28260184-T-C.
Other names: c.995A>G, p.Lys332Arg (NM_001290020.2); c.71A>G, p.Lys24Arg (NM_001312689.2); c.-187-9540A>G (NM_001290021.2); short protein forms K332R, K24R.
Identifiers: ClinVar variation 241267 (VCV000241267.40), dbSNP rs148930400, ClinGen allele CA5453656.

ClinVar aggregate classification (germline): Likely benign. Review status: criteria provided, multiple submitters, no conflicts (2 of 4 stars). 5 submissions from 5 submitters: Likely benign (5). Last evaluated 2026-09-01.

Conditions:
Primary ciliary dyskinesia 23 (CILD23). Also called: CILIARY DYSKINESIA, PRIMARY, 23, WITH OR WITHOUT SITUS INVERSUS. Identifiers: Orphanet 244, MedGen C3809548, MONDO:0014193, OMIM 615451.
Primary ciliary dyskinesia. Also called: Ciliary dyskinesia. Identifiers: Orphanet 244, MedGen C0008780, MONDO:0016575, HP:0012265.

Allele frequency attached by ClinVar (database versions not stated): gnomAD exomes 0.00034 and 0.00085; ExAC 0.00088; gnomAD 0.00285 and 0.00307; TOPMed 0.00331; ESP Exome Variant Server 0.00338; 1000 Genomes Project 0.00359; 1000 Genomes Project 30x 0.00468.
gnomAD v4.1: 945 of 1,613,788 alleles (0.059%); highest among the groups gnomAD compares: African/African-American, 1.1%; 7 homozygotes.

Submissions (5):

CeGaT Center for Human Genetics Tuebingen
Classification: Likely benign. Last evaluated: 2026-09-01. Review status: criteria provided, single submitter. Criteria: CeGaT Center For Human Genetics Tuebingen Variant Classification Criteria Version 2. Collection method: clinical testing. Allele origin: germline. Affected: yes. Observed: 2 variant alleles.
Comment: ODAD2: BP4, BS1

Labcorp Genetics (formerly Invitae), Labcorp
Classification: Likely benign for Primary ciliary dyskinesia 23. Last evaluated: 2026-02-02. Review status: criteria provided, single submitter. Criteria: Invitae Variant Classification Sherloc (09022015). Collection method: clinical testing. Allele origin: germline.

Blueprint Genetics
Classification: Likely benign. Last evaluated: 2024-11-27. Review status: criteria provided, single submitter. Criteria: ACMG Guidelines, 2015. Collection method: clinical testing. Allele origin: germline.

Ambry Genetics
Classification: Likely benign for Primary ciliary dyskinesia. Last evaluated: 2022-07-12. Review status: criteria provided, single submitter. Criteria: Ambry Variant Classification Scheme 2023. Collection method: clinical testing. Allele origin: germline.

Breakthrough Genomics
Classification: Likely benign. Review status: criteria provided, single submitter. Criteria: ACMG Guidelines, 2015. Collection method: not provided. Allele origin: germline. Inheritance: Autosomal recessive inheritance. Affected: yes.